The following is an entry in ClinVar:

NM_021956.5(GRIK2):c.2668G>A (p.Val890Ile)

Gene: GRIK2 (glutamate ionotropic receptor kainate type subunit 2; plus strand). Cytogenetic location: 6q16.3.
Variant type: single nucleotide variant.
Coding change: c.2668G>A on transcript NM_021956.5 (MANE Select); coding-DNA position 2668, G replaced by A.
Protein change: p.Val890Ile; replaces valine 890 with isoleucine.
Molecular consequence: missense variant. On other transcripts: 3 prime UTR variant (2).
Genome position (GRCh38, 1-based): chr6:102,068,452, G>A. VCF-style: chr6-102068452-G-A. GRCh37 (hg19) VCF-style: chr6-102516327-G-A.
Other names: c.*121G>A (NM_001166247.1); c.*145G>A (NM_175768.3); short protein forms V890I.
Identifiers: ClinVar variation 3357112 (VCV003357112.2).

ClinVar aggregate classification (germline): Uncertain significance. Review status: criteria provided, single submitter (1 of 4 stars). 2 submissions from 2 submitters: Uncertain significance (1). 1 of the submissions does not count toward it. Last evaluated 2024-09-27.

Conditions:
Inborn genetic diseases. Identifiers: MedGen C0950123, MeSH D030342.
GRIK2-related disorder. Also called: GRIK2-related condition.

gnomAD v4.1: 8 of 1,612,070 alleles (0.0005%); highest among the groups gnomAD compares: Admixed American, 0.01%; no homozygotes.

Submissions (2):

Ambry Genetics
Classification: Uncertain significance for Inborn genetic diseases. Last evaluated: 2024-09-27. Review status: criteria provided, single submitter. Criteria: Ambry Variant Classification Scheme 2023. Collection method: clinical testing. Allele origin: germline.

PreventionGenetics, part of Exact Sciences
Classification: Uncertain significance for GRIK2-related condition. Last evaluated: 2024-07-30. Review status: no assertion criteria provided. Collection method: clinical testing. Allele origin: germline. Not counted in ClinVar's aggregate classification.
Comment: The GRIK2 c.2668G>A variant is predicted to result in the amino acid substitution p.Val890Ile. To our knowledge, this variant has not been reported in the literature or in a large population database, indicating this variant is rare. At this time, the clinical significance of this variant is uncertain due to the absence of conclusive functional and genetic evidence.